The following is an entry in ClinVar:

ClinVar aggregate classification (germline): Uncertain significance (1 of 4 stars; one submission).

Conditions:
Nephronophthisis. Also called: Juvenile Nephronophthisis. Identifiers: Orphanet 655, MedGen C0687120, MONDO:0019005, HP:0000090.

Allele frequency attached by ClinVar (database versions not stated): gnomAD exomes below 0.00001.
gnomAD v4.1: 1 of 1,613,782 alleles (0.000062%); highest among the groups gnomAD compares: Admixed American, 0.0017%; no homozygotes.

Submission:

Labcorp Genetics (formerly Invitae), Labcorp
Classification: Uncertain significance for Nephronophthisis. Last evaluated: 2021-09-02. Review status: criteria provided, single submitter. Criteria: Invitae Variant Classification Sherloc (09022015). Collection method: clinical testing. Allele origin: germline.
Comment: This sequence change replaces arginine with lysine at codon 870 of the NPHP4 protein (p.Arg870Lys). The arginine residue is moderately conserved and there is a small physicochemical difference between arginine and lysine. This variant is not present in population databases (ExAC no frequency). This variant has not been reported in the literature in individuals affected with NPHP4-related conditions. Algorithms developed to predict the effect of missense changes on protein structure and function output the following: SIFT: "Tolerated"; PolyPhen-2: "Benign"; Align-GVGD: "Class C0". The lysine amino acid residue is found in multiple mammalian species, which suggests that this missense change does not adversely affect protein function. In summary, the available evidence is currently insufficient to determine the role of this variant in disease. Therefore, it has been classified as a Variant of Uncertain Significance.

NM_015102.5(NPHP4):c.2609G>A (p.Arg870Lys)

Gene: NPHP4 (nephrocystin 4; minus strand). Cytogenetic location: 1p36.31.
Variant type: single nucleotide variant.
Coding change: c.2609G>A on transcript NM_015102.5 (MANE Select); coding-DNA position 2609, G replaced by A.
Protein change: p.Arg870Lys; replaces arginine 870 with lysine.
Molecular consequence: missense variant. On other transcripts: non-coding transcript variant (1).
Genome position (GRCh38, 1-based): chr1:5,880,116, C>T on the plus strand (G>A on the coding strand, the complement: NPHP4 is on the minus strand). VCF-style: chr1-5880116-C-T. GRCh37 (hg19) VCF-style: chr1-5940176-C-T.
Other names: c.1070G>A, p.Arg357Lys (NM_001291593.2); c.1073G>A, p.Arg358Lys (NM_001291594.2); short protein forms R357K, R358K, R870K.
Identifiers: ClinVar variation 937730 (VCV000937730.7), dbSNP rs993280899, ClinGen allele CA17139430.
Genomic context (GRCh38, chr1:5,880,116, plus strand): 5'-CACCTCTCACCCACCACTCACGACCCACCCACACATGGGCCCAACAGTGTAAACTCACGC[C>T]TTGAGCTTCCAGTCGTGAGGAGGCTGCCTCCAGAGAAGCGGCTGGCTCCATCGTTTGAGA-3'
Protein context (NP_055917.1, residues 860-880): GGSLLTTGSS[Arg870Lys]RKHVVQAQKL